The following is an entry in ClinVar:

ClinVar aggregate classification (germline): Uncertain significance (1 of 4 stars; one submission).

Submission:

Labcorp Genetics (formerly Invitae), Labcorp
Classification: Uncertain significance. Last evaluated: 2025-04-09. Review status: criteria provided, single submitter. Criteria: Invitae Variant Classification Sherloc (09022015). Collection method: clinical testing. Allele origin: germline.
Comment: This sequence change replaces glutamic acid, which is acidic and polar, with glycine, which is neutral and non-polar, at codon 433 of the PPM1F protein (p.Glu433Gly). This variant is not present in population databases (gnomAD no frequency). This variant has not been reported in the literature in individuals affected with PPM1F-related conditions. An algorithm developed to predict the effect of missense changes on protein structure and function outputs the following: PolyPhen-2: "Benign". The glycine amino acid residue is found in multiple mammalian species, which suggests that this missense change does not adversely affect protein function. In summary, the available evidence is currently insufficient to determine the role of this variant in disease. Therefore, it has been classified as a Variant of Uncertain Significance.

NM_014634.4(PPM1F):c.1298A>G (p.Glu433Gly)

Gene: PPM1F (protein phosphatase, Mg2+/Mn2+ dependent 1F; minus strand). Cytogenetic location: 22q11.22.
Variant type: single nucleotide variant.
Coding change: c.1298A>G on transcript NM_014634.4 (MANE Select); coding-DNA position 1298, A replaced by G.
Protein change: p.Glu433Gly; replaces glutamic acid 433 with glycine.
Molecular consequence: missense variant.
Genome position (GRCh38, 1-based): chr22:21,923,159, T>C on the plus strand (A>G on the coding strand, the complement: PPM1F is on the minus strand). VCF-style: chr22-21923159-T-C. GRCh37 (hg19) VCF-style: chr22-22277532-T-C.
Other names: c.794A>G, p.Glu265Gly (NM_001410836.1); short protein forms E265G, E433G.
Identifiers: ClinVar variation 4716647 (VCV004716647.1).